The following is an entry in ClinVar:

NM_178857.6(RP1L1):c.6124C>T (p.Gln2042Ter)

Gene: RP1L1 (RP1 like 1). Cytogenetic location: 8p23.1.
Variant type: single nucleotide variant.
Coding change: c.6124C>T on transcript NM_178857.6 (MANE Select); coding-DNA position 6124, C replaced by T.
Protein change: p.Gln2042Ter; replaces glutamine 2042 with a stop codon.
Molecular consequence: nonsense.
Genome position (GRCh38, 1-based): chr8:10,607,974, G>A on the plus strand (C>T on the coding strand, the complement: RP1L1 is on the minus strand). VCF-style: chr8-10607974-G-A. GRCh37 (hg19) VCF-style: chr8-10465484-G-A.
Other names: short protein forms Q2042*.
Identifiers: ClinVar variation 1879704 (VCV001879704.29), dbSNP rs768322665, ClinGen allele CA370279556.

ClinVar aggregate classification (germline): Likely pathogenic (1 of 4 stars; one submission).

Allele frequency attached by ClinVar (database versions not stated): TOPMed below 0.00001.
gnomAD v4.1: 6 of 1,612,014 alleles (0.00037%); highest among the groups gnomAD compares: Middle Eastern, 0.066%; no homozygotes.

Submission:

CeGaT Center for Human Genetics Tuebingen
Classification: Likely pathogenic. Last evaluated: 2022-12-01. Review status: criteria provided, single submitter. Criteria: CeGaT Center For Human Genetics Tuebingen Variant Classification Criteria Version 2. Collection method: clinical testing. Allele origin: germline. Affected: yes. Observed: 1 variant allele.
Comment: RP1L1: PVS1:Strong, PM2